The following is an entry in ClinVar:

NM_001854.4(COL11A1):c.4700A>G (p.Asp1567Gly)

Gene: COL11A1 (collagen type XI alpha 1 chain; minus strand). Cytogenetic location: 1p21.1.
Variant type: single nucleotide variant.
Coding change: c.4700A>G on transcript NM_001854.4 (MANE Select); coding-DNA position 4700, A replaced by G.
Protein change: p.Asp1567Gly; replaces aspartic acid 1567 with glycine.
Molecular consequence: missense variant. On other transcripts: non-coding transcript variant (1).
Genome position (GRCh38, 1-based): chr1:102,886,965, T>C on the plus strand (A>G on the coding strand, the complement: COL11A1 is on the minus strand). VCF-style: chr1-102886965-T-C. GRCh37 (hg19) VCF-style: chr1-103352521-T-C.
Other names: c.4583A>G, p.Asp1528Gly (NM_001190709.2); c.4736A>G, p.Asp1579Gly (NM_080629.3); c.4352A>G, p.Asp1451Gly (NM_080630.4); short protein forms D1451G, D1528G, D1567G, D1579G.
Identifiers: ClinVar variation 1065055 (VCV001065055.9), dbSNP rs756511227, ClinGen allele CA973431.

ClinVar aggregate classification (germline): Conflicting classifications of pathogenicity. Review status: criteria provided, conflicting classifications (1 of 4 stars). 3 submissions from 3 submitters: Uncertain significance (2); Benign (1). Last evaluated 2023-06-13.

Conditions:
Hearing impairment. Also called: Impaired Hearing. Identifiers: MedGen C1384666, MONDO:0005365, HP:0000365.

Allele frequency attached by ClinVar (database versions not stated): gnomAD 0.00001; gnomAD exomes 0.00001 and 0.00003; TOPMed 0.00003; ExAC 0.00004.
gnomAD v4.1: 23 of 1,613,832 alleles (0.0014%); highest among the groups gnomAD compares: South Asian, 0.0033%; no homozygotes.

Submissions (3):

GeneDx
Classification: Uncertain significance. Last evaluated: 2023-06-13. Review status: criteria provided, single submitter. Criteria: GeneDx Variant Classification Process June 2021. Collection method: clinical testing. Allele origin: germline. Affected: yes.
Comment: In silico analysis supports that this missense variant does not alter protein structure/function; Not located in the triple helical region, where the majority of pathogenic missense variants occur (HGMD; Acke et al., 2014); Has not been previously published as pathogenic or benign to our knowledge; This variant is associated with the following publications: (PMID: 25240749)

Labcorp Genetics (formerly Invitae), Labcorp
Classification: Benign. Last evaluated: 2023-01-14. Review status: criteria provided, single submitter. Criteria: Invitae Variant Classification Sherloc (09022015). Collection method: clinical testing. Allele origin: germline.

Department of Otolaryngology – Head & Neck Surgery, Cochlear Implant Center
Classification: Uncertain significance for Hearing impairment. Last evaluated: 2021-04-12. Review status: criteria provided, single submitter. Criteria: ClinGen HL ACMG Specifications v1. Collection method: clinical testing. Allele origin: germline. Affected: yes.
Comment: PM2_Moderate, BP4_Supporting